The following is an entry in ClinVar:

NM_006258.4(PRKG1):c.1714C>A (p.Pro572Thr)

Gene: PRKG1 (protein kinase cGMP-dependent 1; plus strand). Cytogenetic location: 10q21.1.
Variant type: single nucleotide variant.
Coding change: c.1714C>A on transcript NM_006258.4 (MANE Select); coding-DNA position 1714, C replaced by A.
Protein change: p.Pro572Thr; replaces proline 572 with threonine.
Molecular consequence: missense variant.
Genome position (GRCh38, 1-based): chr10:52,288,730, C>A. VCF-style: chr10-52288730-C-A. GRCh37 (hg19) VCF-style: chr10-54048490-C-A.
Other names: c.1714C>A, p.Pro572Thr (LRG_1135t1); c.1669C>A, p.Pro557Thr (LRG_1135t2, NM_001098512.3); short protein forms P572T, P557T.
Identifiers: ClinVar variation 647122 (VCV000647122.10), dbSNP rs1589761666, ClinGen allele CA376536113.

ClinVar aggregate classification (germline): Uncertain significance (1 of 4 stars; one submission).

Conditions:
Aortic aneurysm, familial thoracic 8 (AAT8). Identifiers: MedGen C3809513, MONDO:0014187, OMIM 615436.

Allele frequency attached by ClinVar (database versions not stated): gnomAD exomes below 0.00001.
gnomAD v4.1: 2 of 1,575,958 alleles (0.00013%); highest among the groups gnomAD compares: Non-Finnish European, 0.00017%; no homozygotes.

Submission:

Labcorp Genetics (formerly Invitae), Labcorp
Classification: Uncertain significance for Aortic aneurysm, familial thoracic 8. Last evaluated: 2018-11-08. Review status: criteria provided, single submitter. Criteria: Invitae Variant Classification Sherloc (09022015). Collection method: clinical testing. Allele origin: germline.
Comment: In summary, the available evidence is currently insufficient to determine the role of this variant in disease. Therefore, it has been classified as a Variant of Uncertain Significance. Algorithms developed to predict the effect of missense changes on protein structure and function are either unavailable or do not agree on the potential impact of this missense change (SIFT: "Deleterious"; PolyPhen-2: "Probably Damaging"; Align-GVGD: "Class C0"). This variant has not been reported in the literature in individuals with PRKG1-related disease. This variant is not present in population databases (ExAC no frequency). This sequence change replaces proline with threonine at codon 572 of the PRKG1 protein (p.Pro572Thr). The proline residue is highly conserved and there is a small physicochemical difference between proline and threonine.